The following is an entry in ClinVar:

NM_012243.3(SLC35A3):c.680dup (p.Asp227fs)

Gene: SLC35A3 (solute carrier family 35 member A3; plus strand). Cytogenetic location: 1p21.2.
Variant type: Duplication.
Coding change: c.680dup on transcript NM_012243.3 (MANE Select); coding-DNA position 680, one base duplicated (A; older notation c.680dupA).
Protein change: p.Asp227fs; shifts the reading frame from aspartic acid 227.
Molecular consequence: frameshift variant. On other transcripts: intron variant (1).
Genome position (GRCh38, 1-based): chr1:100,015,347, A duplicated. VCF-style (leftmost placement, unchanged base first): chr1-100015346-G-GA. GRCh37 (hg19) VCF-style: chr1-100480902-G-GA.
Other names: c.806dup, p.Asp269fs (NM_001271685.2); c.634+3814dup (NM_001271684.2); c.680dupA (NM_012243.2, NM_012243.3); short protein forms D227fs, D269fs.
Identifiers: ClinVar variation 575751 (VCV000575751.9), dbSNP rs866803539, ClinGen allele CA27550983.

ClinVar aggregate classification (germline): Pathogenic/Likely pathogenic. Review status: criteria provided, multiple submitters, no conflicts (2 of 4 stars). 4 submissions from 4 submitters: Pathogenic (2); Likely pathogenic (2). Last evaluated 2025-08-11.

Conditions:
Autism spectrum disorder - epilepsy - arthrogryposis syndrome (AMRS). Identifiers: Orphanet 370943, MedGen C3809910, MONDO:0014248, OMIM 615553.

Allele frequency attached by ClinVar (database versions not stated): gnomAD exomes 0.00001; gnomAD 0.00003 and 0.00004; TOPMed 0.00007; ESP Exome Variant Server 0.00008.

Submissions (4):

Natera, Inc.
Classification: Likely pathogenic for Arthrogryposis, mental retardation, and seizures. Last evaluated: 2025-08-11. Review status: criteria provided, single submitter. Criteria: Natera Variant Classification Schema (03/2026). Collection method: clinical testing. Allele origin: germline.
Comment: The c.680dupA variant in SLC35A3 is a frameshift variant predicted to shift the reading frame beginning at codon 227 and leads to a stop codon 15 codons downstream. This variant is expected to result in nonsense mediated decay, truncation, or a dysfunctional protein product. This variant is rare in the general population with a frequency below the threshold expected for the associated phenotype(s). Given the available evidence, this variant is classified as Likely Pathogenic.

Women's Health and Genetics/Laboratory Corporation of America, LabCorp
Classification: Pathogenic for Autism spectrum disorder - epilepsy - arthrogryposis syndrome. Last evaluated: 2024-09-10. Review status: criteria provided, single submitter. Criteria: LabCorp Variant Classification Summary - May 2015. Collection method: clinical testing. Allele origin: germline.
Comment: Variant summary: SLC35A3 c.680dupA (p.Asp227GlufsX15) results in a premature termination codon, predicted to cause a truncation of the encoded protein or absence of the protein due to nonsense mediated decay, which are commonly known mechanisms for disease. The variant allele was found at a frequency of 8e-06 in 250434 control chromosomes. c.680dupA has been reported in the literature in a heterozygous individual affected with childhood epilepsy without evidence of causality (e.g. Truty_2019). This report do not provide unequivocal conclusions about association of the variant with Arthrogryposis, Mental Retardation, And Seizures. To our knowledge, no experimental evidence demonstrating an impact on protein function has been reported. The following publication has been ascertained in the context of this evaluation (PMID: 31440721). ClinVar contains an entry for this variant (Variation ID: 575751). Based on the evidence outlined above, the variant was classified as pathogenic.

Fulgent Genetics
Classification: Likely pathogenic for Autism spectrum disorder - epilepsy - arthrogryposis syndrome. Last evaluated: 2024-03-19. Review status: criteria provided, single submitter. Criteria: ACMG Guidelines, 2015. Collection method: clinical testing. Allele origin: germline.

Labcorp Genetics (formerly Invitae), Labcorp
Classification: Pathogenic for Autism spectrum disorder - epilepsy - arthrogryposis syndrome. Last evaluated: 2024-02-14. Review status: criteria provided, single submitter. Criteria: Invitae Variant Classification Sherloc (09022015). Collection method: clinical testing. Allele origin: germline.
Comment: This sequence change creates a premature translational stop signal (p.Asp227Glufs*15) in the SLC35A3 gene. It is expected to result in an absent or disrupted protein product. Loss-of-function variants in SLC35A3 are known to be pathogenic (PMID: 24031089, 28328131). This variant is present in population databases (no rsID available, gnomAD 0.01%). This variant has not been reported in the literature in individuals affected with SLC35A3-related conditions. ClinVar contains an entry for this variant (Variation ID: 575751). For these reasons, this variant has been classified as Pathogenic.

Literature cited by the submitters: PubMed 31440721 (cited by Women's Health and Genetics/Laboratory Corporation of America, LabCorp); PubMed 24031089 (cited by Labcorp Genetics (formerly Invitae), Labcorp); PubMed 28328131 (cited by Labcorp Genetics (formerly Invitae), Labcorp).